The following is an entry in ClinVar:

ClinVar aggregate classification (germline): Uncertain significance. Review status: criteria provided, multiple submitters, no conflicts (2 of 4 stars). 2 submissions from 2 submitters: Uncertain significance (2). Last evaluated 2024-02-12.

Conditions:
Intellectual developmental disorder, X-linked 96. Also called: Intellectual disability, X-linked 96. Identifiers: Orphanet 777, MedGen C3275408, MONDO:0010429, OMIM 300802.
Inborn genetic diseases. Identifiers: MedGen C0950123, MeSH D030342.

Allele frequency attached by ClinVar (database versions not stated): TOPMed below 0.00001; gnomAD 0.00001.
gnomAD v4.1: 1 of 1,209,657 alleles (0.000083%); highest among the groups gnomAD compares: East Asian, 0.003%; no homozygotes.

Submissions (2):

Ambry Genetics
Classification: Uncertain significance for Inborn genetic diseases. Last evaluated: 2024-02-12. Review status: criteria provided, single submitter. Criteria: Ambry Variant Classification Scheme 2023. Collection method: clinical testing. Allele origin: germline.

Clinical Genomics Laboratory, Washington University in St. Louis
Classification: Uncertain significance for Intellectual developmental disorder, X-linked 96. Last evaluated: 2023-09-14. Review status: criteria provided, single submitter. Criteria: ACMG Guidelines, 2015. Collection method: clinical testing. Allele origin: germline.
Comment: The SYP c.61G>A (p.Val21Met) variant, to our knowledge, has not been reported in the medical literature and is absent from the general population (gnomAD v.2.1.1), indicating it is not a common variant. Computational predictors are uncertain as to the impact of this variant on SYP function. Due to limited information, and based on ACMG/AMP guidelines for variant interpretation (Richards S et al., PMID: 25741868), the clinical significance of this variant is uncertain at this time.

NM_003179.3(SYP):c.61G>A (p.Val21Met)

Genes: SYP (synaptophysin; minus strand), SYP-AS1 (SYP antisense RNA 1; plus strand). Cytogenetic location: Xp11.23.
Variant type: single nucleotide variant.
Coding change: c.61G>A on transcript NM_003179.3 (MANE Select); coding-DNA position 61, G replaced by A.
Protein change: p.Val21Met; replaces valine 21 with methionine.
Molecular consequence: missense variant. On other transcripts: non-coding transcript variant (1).
Genome position (GRCh38, 1-based): chrX:49,199,009, C>T on the plus strand (G>A on the coding strand, the complement: SYP is on the minus strand). VCF-style: chrX-49199009-C-T. GRCh37 (hg19) VCF-style: chrX-49055468-C-T.
Other names: c.61G>A (NM_003179.2); short protein forms V21M.
Identifiers: ClinVar variation 2672138 (VCV002672138.2), dbSNP rs1165557985, ClinGen allele CA412954856.